The following is an entry in ClinVar:

NM_005228.5(EGFR):c.1130G>A (p.Arg377Lys)

Genes: EGFR (epidermal growth factor receptor; plus strand), LOC126860048 (P300/CBP strongly-dependent group 1 enhancer GRCh37_chr7:55223847-55225046; plus strand). Cytogenetic location: 7p11.2.
Variant type: single nucleotide variant.
Coding change: c.1130G>A on transcript NM_005228.5 (MANE Select); coding-DNA position 1130, G replaced by A.
Protein change: p.Arg377Lys; replaces arginine 377 with lysine.
Molecular consequence: missense variant.
Genome position (GRCh38, 1-based): chr7:55,156,656, G>A. VCF-style: chr7-55156656-G-A. GRCh37 (hg19) VCF-style: chr7-55224349-G-A.
Other names: c.1130G>A, p.Arg377Lys (NM_201282.2, NM_201283.2, NM_201284.2 and 1 more transcripts); c.995G>A, p.Arg332Lys (NM_001346897.2, NM_001346899.2); c.971G>A, p.Arg324Lys (NM_001346900.2); c.329G>A, p.Arg110Lys (NM_001346941.2); short protein forms R324K, R110K, R377K, R332K.
Identifiers: ClinVar variation 2959466 (VCV002959466.6), dbSNP rs1785432611, ClinGen allele CA367578461.
Genomic context (GRCh38, chr7:55,156,656, plus strand): 5'-AACACTTCAAAAACTGCACCTCCATCAGTGGCGATCTCCACATCCTGCCGGTGGCATTTA[G>A]GGGGTGAGTCACAGGTTCAGTTGCTTGTATAAAGAAAAACAAAATCTGCCTTTTTAACTG-3'
Protein context (NP_005219.2, residues 367-387): GDLHILPVAF[Arg377Lys]GDSFTHTPPL

ClinVar aggregate classification (germline): Conflicting classifications of pathogenicity. Review status: criteria provided, conflicting classifications (1 of 4 stars). 3 submissions from 3 submitters: Uncertain significance (2); Likely benign (1). Last evaluated 2025-10-20.

Conditions:
EGFR-related lung cancer (EGFR). Identifiers: MedGen CN130014.
Hereditary cancer-predisposing syndrome. Also called: Neoplastic Syndromes, Hereditary; Tumor predisposition; Hereditary neoplastic syndrome; Hereditary Cancer Syndrome. Identifiers: Orphanet 140162, MedGen C0027672, MeSH D009386, MONDO:0015356.

Allele frequency attached by ClinVar (database versions not stated): gnomAD 0.00001; gnomAD exomes below 0.00001; TOPMed 0.00001.
gnomAD v4.1: 2 of 1,614,096 alleles (0.00012%); highest among the groups gnomAD compares: Admixed American, 0.0033%; no homozygotes.

Submissions (3):

Labcorp Genetics (formerly Invitae), Labcorp
Classification: Uncertain significance for EGFR-related lung cancer. Last evaluated: 2025-10-20. Review status: criteria provided, single submitter. Criteria: Invitae Variant Classification Sherloc (09022015). Collection method: clinical testing. Allele origin: germline.
Comment: This sequence change replaces arginine, which is basic and polar, with lysine, which is basic and polar, at codon 377 of the EGFR protein (p.Arg377Lys). This variant is not present in population databases (gnomAD no frequency). This variant has not been reported in the literature in individuals affected with EGFR-related conditions. ClinVar contains an entry for this variant (Variation ID: 2959466). Invitae Evidence Modeling of protein sequence and biophysical properties (such as structural, functional, and spatial information, amino acid conservation, physicochemical variation, residue mobility, and thermodynamic stability) indicates that this missense variant is not expected to disrupt EGFR protein function with a negative predictive value of 80%. In summary, the available evidence is currently insufficient to determine the role of this variant in disease. Therefore, it has been classified as a Variant of Uncertain Significance.

Ambry Genetics
Classification: Likely benign for Hereditary cancer-predisposing syndrome. Last evaluated: 2025-06-13. Review status: criteria provided, single submitter. Criteria: Ambry Variant Classification Scheme 2023. Collection method: clinical testing. Allele origin: germline.

Dasa
Classification: Uncertain significance. Last evaluated: 2025-02-14. Review status: criteria provided, single submitter. Criteria: DASA Assertion Criteria. Collection method: clinical testing. Allele origin: germline.
Comment: NM_005228.5(EGFR):c.1130G>A (p.Arg377Lys) is a missense variant that results in the substitution of arginine with lysine. This variant is rare in population databases. Computational prediction algorithms are consistent with a benign effect. The currently available literature and clinical evidence are not sufficient to establish a definitive association between this variant and the reported condition. Therefore, this variant is classified as a variant of uncertain significance.